The following is an entry in ClinVar:

ClinVar aggregate classification (germline): Uncertain significance. Review status: criteria provided, multiple submitters, no conflicts (2 of 4 stars). 3 submissions from 3 submitters: Uncertain significance (3). Last evaluated 2025-07-11.

Conditions:
Hereditary cancer-predisposing syndrome. Also called: Hereditary Cancer Syndrome; Neoplastic Syndromes, Hereditary; Tumor predisposition; Hereditary neoplastic syndrome. Identifiers: Orphanet 140162, MedGen C0027672, MeSH D009386, MONDO:0015356.
Peutz-Jeghers syndrome (PJS). Also called: Peutz-Jeghers polyposis; Periorificial lentiginosis syndrome; POLYPOSIS, HAMARTOMATOUS INTESTINAL; POLYPS-AND-SPOTS SYNDROME. Identifiers: Orphanet 2869, MedGen C0031269, MeSH D010580, MONDO:0008280, OMIM 175200.

Submissions (3):

Ambry Genetics
Classification: Uncertain significance for Hereditary cancer-predisposing syndrome. Last evaluated: 2025-07-11. Review status: criteria provided, single submitter. Criteria: Ambry Variant Classification Scheme 2023. Collection method: clinical testing. Allele origin: germline.
Comment: The p.P315A variant (also known as c.943C>G), located in coding exon 8 of the STK11 gene, results from a C to G substitution at nucleotide position 943. The proline at codon 315 is replaced by alanine, an amino acid with highly similar properties. This amino acid position is not well conserved in available vertebrate species. In addition, this alteration is predicted to be tolerated by in silico analysis. Based on the available evidence, the clinical significance of this variant remains unclear.

Color Diagnostics, LLC DBA Color Health
Classification: Uncertain significance for Hereditary cancer-predisposing syndrome. Last evaluated: 2023-12-05. Review status: criteria provided, single submitter. Criteria: ACMG Guidelines, 2015. Collection method: clinical testing. Allele origin: germline.
Comment: This missense variant replaces proline with alanine at codon 315 of the STK11 protein. Computational prediction suggests that this variant may not impact protein structure and function (internally defined REVEL score threshold <= 0.5, PMID: 27666373). To our knowledge, functional studies have not been reported for this variant. This variant has not been reported in individuals affected with STK11-related disorders in the literature. This variant has not been identified in the general population by the Genome Aggregation Database (gnomAD). The available evidence is insufficient to determine the role of this variant in disease conclusively. Therefore, this variant is classified as a Variant of Uncertain Significance.

Labcorp Genetics (formerly Invitae), Labcorp
Classification: Uncertain significance for Peutz-Jeghers syndrome. Last evaluated: 2022-09-06. Review status: criteria provided, single submitter. Criteria: Invitae Variant Classification Sherloc (09022015). Collection method: clinical testing. Allele origin: germline.
Comment: ClinVar contains an entry for this variant (Variation ID: 631199). In summary, the available evidence is currently insufficient to determine the role of this variant in disease. Therefore, it has been classified as a Variant of Uncertain Significance. Advanced modeling of protein sequence and biophysical properties (such as structural, functional, and spatial information, amino acid conservation, physicochemical variation, residue mobility, and thermodynamic stability) performed at Invitae indicates that this missense variant is not expected to disrupt STK11 protein function. This variant has not been reported in the literature in individuals affected with STK11-related conditions. This variant is not present in population databases (gnomAD no frequency). This sequence change replaces proline, which is neutral and non-polar, with alanine, which is neutral and non-polar, at codon 315 of the STK11 protein (p.Pro315Ala).

NM_000455.5(STK11):c.943C>G (p.Pro315Ala)

Gene: STK11 (serine/threonine kinase 11; plus strand). Cytogenetic location: 19p13.3.
Variant type: single nucleotide variant.
Coding change: c.943C>G on transcript NM_000455.5 (MANE Select); coding-DNA position 943, C replaced by G.
Protein change: p.Pro315Ala; replaces proline 315 with alanine.
Molecular consequence: missense variant.
Genome position (GRCh38, 1-based): chr19:1,223,007, C>G. VCF-style: chr19-1223007-C-G. GRCh37 (hg19) VCF-style: chr19-1223006-C-G.
Other names: short protein forms P315A.
Identifiers: ClinVar variation 631199 (VCV000631199.15), dbSNP rs786202431, ClinGen allele CA402951493.